The following is an entry in ClinVar:

NM_194454.3(KRIT1):c.1315G>T (p.Gly439Ter)

Gene: KRIT1 (KRIT1 ankyrin repeat containing; minus strand). Cytogenetic location: 7q21.2.
Variant type: single nucleotide variant.
Coding change: c.1315G>T on transcript NM_194454.3 (MANE Select); coding-DNA position 1315, G replaced by T.
Protein change: p.Gly439Ter; replaces glycine 439 with a stop codon.
Molecular consequence: nonsense.
Genome position (GRCh38, 1-based): chr7:92,222,918, C>A on the plus strand (G>T on the coding strand, the complement: KRIT1 is on the minus strand). VCF-style: chr7-92222918-C-A. GRCh37 (hg19) VCF-style: chr7-91852232-C-A.
Other names: c.1315G>T, p.Gly439Ter (NM_001350688.1, NM_001350689.1, NM_001350690.1 and 26 more transcripts); c.1171G>T, p.Gly391Ter (NM_001013406.2, NM_001350669.1, NM_001350670.1); c.601G>T, p.Gly201Ter (NM_001350671.1); short protein forms G201*, G391*, G439*.
Identifiers: ClinVar variation 811393 (VCV000811393.8), dbSNP rs1584881660, ClinGen allele CA368147734.

ClinVar aggregate classification (germline): Pathogenic (1 of 4 stars; one submission).

Submission:

ARUP Laboratories, Molecular Genetics and Genomics, ARUP Laboratories
Classification: Pathogenic. Last evaluated: 2019-05-02. Review status: criteria provided, single submitter. Criteria: ARUP Molecular Germline Variant Investigation Process. Collection method: clinical testing. Allele origin: germline.
Comment: The KRIT1 c.1315G>T; p.Gly439TER variant, to our knowledge, is not reported in the medical literature or gene specific databases. This variant is absent from general population databases (Exome Variant Server, Genome Aggregation Database), indicating it is not a common polymorphism. This variant induces an early termination codon and is predicted to result in a truncated protein or mRNA subject to nonsense-mediated decay. Similar loss of function variants have been reported in association with cerebral cavernous malformations (Mondejar 2014). Based on the available information, this variant is considered to be likely pathogenic.